The following is an entry in ClinVar:

NM_000441.2(SLC26A4):c.278G>A (p.Ser93Asn)

Gene: SLC26A4 (solute carrier family 26 member 4; plus strand). Cytogenetic location: 7q22.3.
Variant type: single nucleotide variant.
Coding change: c.278G>A on transcript NM_000441.2 (MANE Select); coding-DNA position 278, G replaced by A.
Protein change: p.Ser93Asn; replaces serine 93 with asparagine.
Molecular consequence: missense variant.
Genome position (GRCh38, 1-based): chr7:107,663,409, G>A. VCF-style: chr7-107663409-G-A. GRCh37 (hg19) VCF-style: chr7-107303854-G-A.
Other names: short protein forms S93N.
Identifiers: ClinVar variation 908903 (VCV000908903.4), dbSNP rs1562818627, ClinGen allele CA368845695.
Genomic context (GRCh38, chr7:107,663,409, plus strand): 5'-AGTGGCTCCCCAAATACCGAGTCAAGGAATGGCTGCTTAGTGACGTCATTTCGGGAGTTA[G>A]TACTGGGCTAGTGGCCACGCTGCAAGGTAAGATGTTGGCAGATTGAGAGTTCTGGTCTCC-3'
Protein context (NP_000432.1, residues 83-103): WLLSDVISGV[Ser93Asn]TGLVATLQGM

ClinVar aggregate classification (germline): Conflicting classifications of pathogenicity. Review status: criteria provided, conflicting classifications (1 of 4 stars). 3 submissions from 2 submitters: Likely pathogenic (1); Uncertain significance (2). Last evaluated 2025-09-19.

Conditions:
Pendred syndrome (PDS). Also called: Pendred Syndrome (PDS); Pendred's syndrome; DEAFNESS WITH GOITER; GOITER-DEAFNESS SYNDROME; HYPOTHYROIDISM, CONGENITAL, DUE TO DYSHORMONOGENESIS, 2B; THYROID DYSHORMONOGENESIS 2B. Identifiers: Orphanet 705, MedGen C0271829, MONDO:0010134, OMIM 274600.
Autosomal recessive nonsyndromic hearing loss 4 (DFNB4). Also called: Enlarged vestibular aqueduct, digenic; NEUROSENSORY NONSYNDROMIC RECESSIVE DEAFNESS 4; Deafness, autosomal recessive 4; FOXI1-Related Pendred Syndrome; KCNJ10-Related Pendred Syndrome; Nonsyndromic enlarged vestibular aqueduct (NSEVA). Identifiers: Orphanet 90636, MedGen C3538946, MONDO:0010933, OMIM 600791.

Allele frequency attached by ClinVar (database versions not stated): gnomAD exomes below 0.00001 and 0.00001; TOPMed below 0.00001; gnomAD 0.00001.
gnomAD v4.1: 14 of 1,614,012 alleles (0.00087%); highest among the groups gnomAD compares: Admixed American, 0.0033%; no homozygotes.

Submissions (3):

First Genomix Gene Laboratory, Genetic Diagnostics Department
Classification: Likely pathogenic for Autosomal recessive nonsyndromic hearing loss 4; Pendred syndrome. Last evaluated: 2025-09-19. Review status: criteria provided, single submitter. Criteria: ACMG Guidelines, 2015. Collection method: clinical testing. Allele origin: germline. Inheritance: Autosomal recessive inheritance. Affected: no. Observed: 1 variant allele.

Illumina Laboratory Services, Illumina
Classification: Uncertain significance for Autosomal recessive nonsyndromic hearing loss 4. Last evaluated: 2017-04-27. Review status: criteria provided, single submitter. Criteria: ICSL Variant Classification Criteria 13 December 2019. Collection method: clinical testing. Allele origin: germline.

Illumina Laboratory Services, Illumina
Classification: Uncertain significance for Pendred syndrome. Last evaluated: 2017-04-27. Review status: criteria provided, single submitter. Criteria: ICSL Variant Classification Criteria 13 December 2019. Collection method: clinical testing. Allele origin: germline.